The following is an entry in ClinVar:

ClinVar aggregate classification (germline): Uncertain significance (1 of 4 stars; one submission).

Conditions:
Neuropathy, hereditary sensory and autonomic, type 2A (HSAN2A). Also called: MORVAN DISEASE; NEUROPATHY, CONGENITAL SENSORY; NEUROPATHY, HEREDITARY SENSORY RADICULAR, AUTOSOMAL RECESSIVE; NEUROPATHY, HEREDITARY SENSORY, TYPE IIA; NEUROPATHY, PROGRESSIVE SENSORY, OF CHILDREN; WNK1-Related HSAN2 (HSAN2A). Identifiers: Orphanet 970, MedGen C2752089, MONDO:0024309, OMIM 201300.
Pseudohypoaldosteronism type 2C (PHA2C). Also called: Pseudohypoaldosteronism Type IIC. Identifiers: Orphanet 757, Orphanet 88940, MedGen C1840391, MONDO:0013778, OMIM 614492.

Allele frequency attached by ClinVar (database versions not stated): gnomAD 0.00001.
gnomAD v4.1: 3 of 1,614,106 alleles (0.00019%); highest among the groups gnomAD compares: East Asian, 0.0022%; no homozygotes.

Submission:

Labcorp Genetics (formerly Invitae), Labcorp
Classification: Uncertain significance for Neuropathy, hereditary sensory and autonomic, type 2A; Pseudohypoaldosteronism type 2C. Last evaluated: 2022-10-04. Review status: criteria provided, single submitter. Criteria: Invitae Variant Classification Sherloc (09022015). Collection method: clinical testing. Allele origin: germline.
Comment: This sequence change replaces glycine, which is neutral and non-polar, with glutamic acid, which is acidic and polar, at codon 1713 of the WNK1 protein (p.Gly1713Glu). This variant is present in population databases (rs752421235, gnomAD 0.0009%). This variant has not been reported in the literature in individuals affected with WNK1-related conditions. ClinVar contains an entry for this variant (Variation ID: 947694). Advanced modeling of protein sequence and biophysical properties (such as structural, functional, and spatial information, amino acid conservation, physicochemical variation, residue mobility, and thermodynamic stability) performed at Invitae indicates that this missense variant is not expected to disrupt WNK1 protein function. In summary, the available evidence is currently insufficient to determine the role of this variant in disease. Therefore, it has been classified as a Variant of Uncertain Significance.

NM_018979.4(WNK1):c.4382G>A (p.Gly1461Glu)

Gene: WNK1 (WNK lysine deficient protein kinase 1; plus strand). Cytogenetic location: 12p13.33.
Variant type: single nucleotide variant.
Coding change: c.4382G>A on transcript NM_018979.4 (MANE Select); coding-DNA position 4382, G replaced by A.
Protein change: p.Gly1461Glu; replaces glycine 1461 with glutamic acid.
Molecular consequence: missense variant.
Genome position (GRCh38, 1-based): chr12:885,186, G>A. VCF-style: chr12-885186-G-A. GRCh37 (hg19) VCF-style: chr12-994352-G-A.
Other names: c.5162G>A, p.Gly1721Glu (NM_001184985.2); c.3641G>A, p.Gly1214Glu (NM_014823.3); c.5138G>A, p.Gly1713Glu (NM_213655.5); short protein forms G1713E, G1461E, G1214E, G1721E.
Identifiers: ClinVar variation 947694 (VCV000947694.9), dbSNP rs752421235, ClinGen allele CA6382965.